The following is an entry in ClinVar:

ClinVar aggregate classification (germline): Uncertain significance. Review status: criteria provided, multiple submitters, no conflicts (2 of 4 stars). 3 submissions from 3 submitters: Uncertain significance (3). Last evaluated 2022-07-20.

Conditions:
Brugada syndrome. Also called: Sudden unexpected nocturnal death syndrome; Sudden Unexplained Death Syndrome; Sudden Unexplained Nocturnal Death Syndrome (SUNDS); Sudden unexplained nocturnal death syndrome. Identifiers: Orphanet 130, MedGen C1142166, MONDO:0015263.
Cardiovascular phenotype. Identifiers: MedGen CN230736.
Episodic pain syndrome, familial, 2 (FEPS2). Identifiers: Orphanet 306577, MedGen C3809893, MONDO:0014246, OMIM 615551.

Allele frequency attached by ClinVar (database versions not stated): gnomAD 0.00001; gnomAD exomes 0.00001; TOPMed 0.00001.
gnomAD v4.1: 47 of 1,614,112 alleles (0.0029%); highest among the groups gnomAD compares: Non-Finnish European, 0.0039%; no homozygotes.

Submissions (3):

Ambry Genetics
Classification: Uncertain significance for Cardiovascular phenotype. Last evaluated: 2022-07-20. Review status: criteria provided, single submitter. Criteria: Ambry Variant Classification Scheme 2023. Collection method: clinical testing. Allele origin: germline.
Comment: The p.I1297S variant (also known as c.3890T>G), located in coding exon 22 of the SCN10A gene, results from a T to G substitution at nucleotide position 3890. The isoleucine at codon 1297 is replaced by serine, an amino acid with dissimilar properties. This amino acid position is highly conserved in available vertebrate species. In addition, this alteration is predicted to be deleterious by in silico analysis. The evidence for this gene-disease relationship is limited; therefore, the clinical significance of this alteration is unclear.

Labcorp Genetics (formerly Invitae), Labcorp
Classification: Uncertain significance for Brugada syndrome. Last evaluated: 2022-01-11. Review status: criteria provided, single submitter. Criteria: Invitae Variant Classification Sherloc (09022015). Collection method: clinical testing. Allele origin: germline.
Comment: In summary, the available evidence is currently insufficient to determine the role of this variant in disease. Therefore, it has been classified as a Variant of Uncertain Significance. Algorithms developed to predict the effect of sequence changes on RNA splicing suggest that this variant may create or strengthen a splice site. Advanced modeling of protein sequence and biophysical properties (such as structural, functional, and spatial information, amino acid conservation, physicochemical variation, residue mobility, and thermodynamic stability) performed at Invitae indicates that this missense variant is expected to disrupt SCN10A protein function. ClinVar contains an entry for this variant (Variation ID: 1051108). This variant has not been reported in the literature in individuals affected with SCN10A-related conditions. This variant is present in population databases (no rsID available, gnomAD 0.003%). This sequence change replaces isoleucine, which is neutral and non-polar, with serine, which is neutral and polar, at codon 1297 of the SCN10A protein (p.Ile1297Ser).

Fulgent Genetics
Classification: Uncertain significance for Episodic pain syndrome, familial, 2. Last evaluated: 2021-08-13. Review status: criteria provided, single submitter. Criteria: ACMG Guidelines, 2015. Collection method: clinical testing. Allele origin: unknown.

NM_006514.4(SCN10A):c.3890T>G (p.Ile1297Ser)

Gene: SCN10A (sodium voltage-gated channel alpha subunit 10; minus strand). Cytogenetic location: 3p22.2.
Variant type: single nucleotide variant.
Coding change: c.3890T>G on transcript NM_006514.4 (MANE Select); coding-DNA position 3890, T replaced by G.
Protein change: p.Ile1297Ser; replaces isoleucine 1297 with serine.
Molecular consequence: missense variant.
Genome position (GRCh38, 1-based): chr3:38,712,360, A>C on the plus strand (T>G on the coding strand, the complement: SCN10A is on the minus strand). VCF-style: chr3-38712360-A-C. GRCh37 (hg19) VCF-style: chr3-38753851-A-C.
Other names: c.3887T>G, p.Ile1296Ser (NM_001293306.2); c.3596T>G, p.Ile1199Ser (NM_001293307.2); short protein forms I1199S, I1296S, I1297S.
Identifiers: ClinVar variation 1051108 (VCV001051108.8), dbSNP rs978977328, ClinGen allele CA72950521.
Genomic context (GRCh38, chr3:38,712,360, plus strand): 5'-TCTCCATCGGTATAGTTGATGCACCTCCAAAACTTCCCTGCGAAGAGGTTCACACCCATG[A>C]TGCTGAAGATGAGCCAGAAGATGAGGCAGACGAGGAGGACATTCATGATGGATGGGATGG-3'
Protein context (NP_006505.4, residues 1287-1307): VCLIFWLIFS[Ile1297Ser]MGVNLFAGKF